The following is an entry in ClinVar:

ClinVar aggregate classification (germline): Uncertain significance (1 of 4 stars; one submission).

Allele frequency attached by ClinVar (database versions not stated): gnomAD 0.00001; gnomAD exomes 0.00001; TOPMed 0.00002.
gnomAD v4.1: 22 of 1,610,928 alleles (0.0014%); highest among the groups gnomAD compares: Admixed American, 0.0033%; no homozygotes.

Submission:

Labcorp Genetics (formerly Invitae), Labcorp
Classification: Uncertain significance. Last evaluated: 2024-08-16. Review status: criteria provided, single submitter. Criteria: Invitae Variant Classification Sherloc (09022015). Collection method: clinical testing. Allele origin: germline.
Comment: This sequence change replaces threonine, which is neutral and polar, with serine, which is neutral and polar, at codon 186 of the SIRT1 protein (p.Thr186Ser). This variant is present in population databases (rs201841214, gnomAD 0.006%). This variant has not been reported in the literature in individuals affected with SIRT1-related conditions. An algorithm developed to predict the effect of missense changes on protein structure and function (PolyPhen-2) suggests that this variant is likely to be tolerated. In summary, the available evidence is currently insufficient to determine the role of this variant in disease. Therefore, it has been classified as a Variant of Uncertain Significance.

NM_012238.5(SIRT1):c.557C>G (p.Thr186Ser)

Gene: SIRT1 (sirtuin 1; plus strand). Cytogenetic location: 10q21.3.
Variant type: single nucleotide variant.
Coding change: c.557C>G on transcript NM_012238.5 (MANE Select); coding-DNA position 557, C replaced by G.
Protein change: p.Thr186Ser; replaces threonine 186 with serine.
Molecular consequence: missense variant. On other transcripts: 5 prime UTR variant (1), intron variant (1).
Genome position (GRCh38, 1-based): chr10:67,888,891, C>G. VCF-style: chr10-67888891-C-G. GRCh37 (hg19) VCF-style: chr10-69648649-C-G.
Other names: c.-478C>G (NM_001314049.2); c.-97+1358C>G (NM_001142498.2); short protein forms T186S.
Identifiers: ClinVar variation 2966506 (VCV002966506.3), dbSNP rs201841214, ClinGen allele CA208367223.
Genomic context (GRCh38, chr10:67,888,891, plus strand): 5'-ATTTTGAATTACTTGATAAGTTGACTTTAAGCCTTTTCCCCCTTATTGTAGGTCCATATA[C>G]TTTTGTTCAGCAACATCTTATGATTGGCACAGATCCTCGAACAATTCTTAAAGATTTATT-3'
Protein context (NP_036370.2, residues 176-196): WTPRPRIGPY[Thr186Ser]FVQQHLMIGT